The following is an entry in ClinVar:

NM_000455.5(STK11):c.371A>C (p.Lys124Thr)

Gene: STK11 (serine/threonine kinase 11; plus strand). Cytogenetic location: 19p13.3.
Variant type: single nucleotide variant.
Coding change: c.371A>C on transcript NM_000455.5 (MANE Select); coding-DNA position 371, A replaced by C.
Protein change: p.Lys124Thr; replaces lysine 124 with threonine.
Molecular consequence: missense variant. On other transcripts: non-coding transcript variant (1).
Genome position (GRCh38, 1-based): chr19:1,218,497, A>C. VCF-style: chr19-1218497-A-C. GRCh37 (hg19) VCF-style: chr19-1218496-A-C.
Other names: c.371A>C, p.Lys124Thr (NM_001407255.1); short protein forms K124T.
Identifiers: ClinVar variation 2707101 (VCV002707101.3), dbSNP rs2512938562, ClinGen allele CA402947935.
Genomic context (GRCh38, chr19:1,218,497, plus strand): 5'-GGTTACGGCACAAAAATGTCATCCAGCTGGTGGATGTGTTATACAACGAAGAGAAGCAGA[A>C]AATATATCCTTTCCGGTGTTGGGACCGCGGGGCCTCCGTGGGAGGGGCTGGGGCCCTGGG-3'
Protein context (NP_000446.1, residues 114-134): VDVLYNEEKQ[Lys124Thr]MYMVMEYCVC

ClinVar aggregate classification (germline): Uncertain significance (1 of 4 stars; one submission).

Conditions:
Peutz-Jeghers syndrome (PJS). Also called: POLYPOSIS, HAMARTOMATOUS INTESTINAL; POLYPS-AND-SPOTS SYNDROME; Peutz-Jeghers polyposis; Periorificial lentiginosis syndrome. Identifiers: Orphanet 2869, MedGen C0031269, MeSH D010580, MONDO:0008280, OMIM 175200.

Submission:

Labcorp Genetics (formerly Invitae), Labcorp
Classification: Uncertain significance for Peutz-Jeghers syndrome. Last evaluated: 2024-01-03. Review status: criteria provided, single submitter. Criteria: Invitae Variant Classification Sherloc (09022015). Collection method: clinical testing. Allele origin: germline.
Comment: This sequence change replaces lysine, which is basic and polar, with threonine, which is neutral and polar, at codon 124 of the STK11 protein (p.Lys124Thr). This variant is not present in population databases (gnomAD no frequency). This variant has not been reported in the literature in individuals affected with STK11-related conditions. Advanced modeling of protein sequence and biophysical properties (such as structural, functional, and spatial information, amino acid conservation, physicochemical variation, residue mobility, and thermodynamic stability) performed at Invitae indicates that this missense variant is expected to disrupt STK11 protein function with a positive predictive value of 95%. In summary, the available evidence is currently insufficient to determine the role of this variant in disease. Therefore, it has been classified as a Variant of Uncertain Significance.